The following is an entry in ClinVar:

NM_001127649.3(PEX26):c.102C>G (p.Ala34=)

Gene: PEX26 (peroxisomal biogenesis factor 26; plus strand). Cytogenetic location: 22q11.21.
Variant type: single nucleotide variant.
Coding change: c.102C>G on transcript NM_001127649.3 (MANE Select); coding-DNA position 102, C replaced by G.
Protein change: p.Ala34=; no amino-acid change (alanine 34 retained).
Molecular consequence: synonymous variant.
Genome position (GRCh38, 1-based): chr22:18,078,478, C>G. VCF-style: chr22-18078478-C-G. GRCh37 (hg19) VCF-style: chr22-18561244-C-G.
Other names: c.102C>G, p.Ala34= (NM_001199319.2, NM_017929.6).
Identifiers: ClinVar variation 2931027 (VCV002931027.22), dbSNP rs1212446052, ClinGen allele CA513184938.

ClinVar aggregate classification (germline): Likely benign. Review status: criteria provided, multiple submitters, no conflicts (2 of 4 stars). 2 submissions from 2 submitters: Likely benign (2). Last evaluated 2024-10-06.

Conditions:
Peroxisome biogenesis disorder 7A (Zellweger). Also called: Peroxisome biogenesis disorder 7A. Identifiers: Orphanet 912, MedGen C3888385, MONDO:0013938, OMIM 614872.
Peroxisome biogenesis disorder 7B (PBD7B). Identifiers: Orphanet 44, MedGen C3553951, MONDO:0013939, OMIM 614873.

Allele frequency attached by ClinVar (database versions not stated): TOPMed below 0.00001; gnomAD exomes 0.00001.
gnomAD v4.1: 3 of 1,574,576 alleles (0.00019%); highest among the groups gnomAD compares: Non-Finnish European, 0.00026%; no homozygotes.

Submissions (2):

Labcorp Genetics (formerly Invitae), Labcorp
Classification: Likely benign for Peroxisome biogenesis disorder 7A (Zellweger); Peroxisome biogenesis disorder 7B. Last evaluated: 2024-10-06. Review status: criteria provided, single submitter. Criteria: Invitae Variant Classification Sherloc (09022015). Collection method: clinical testing. Allele origin: germline.

CeGaT Center for Human Genetics Tuebingen
Classification: Likely benign. Last evaluated: 2024-05-01. Review status: criteria provided, single submitter. Criteria: CeGaT Center For Human Genetics Tuebingen Variant Classification Criteria Version 2. Collection method: clinical testing. Allele origin: germline. Affected: yes. Observed: 1 variant allele.
Comment: PEX26: PM2:Supporting, BP4, BP7